The following is an entry in ClinVar:

ClinVar aggregate classification (germline): Uncertain significance (1 of 4 stars; one submission).

Conditions:
Inborn genetic diseases. Identifiers: MedGen C0950123, MeSH D030342.

Submission:

Ambry Genetics
Classification: Uncertain significance for Inborn genetic diseases. Last evaluated: 2026-08-13. Review status: criteria provided, single submitter. Criteria: Ambry Variant Classification Scheme 2023. Collection method: clinical testing. Allele origin: germline.
Comment: The c.135G>A variant (also known as p.V45V), located in coding exon 1 of the GATA2 gene, results from a G to A substitution at nucleotide position 135. This nucleotide substitution does not change the amino acid at codon 45. This nucleotide position is well conserved in available vertebrate species. In silico splice site analysis predicts that this alteration will result in the creation or strengthening of a novel splice donor site. Based on the available evidence, the clinical significance of this variant remains unclear.

NM_032638.5(GATA2):c.135G>A (p.Val45=)

Gene: GATA2 (GATA binding protein 2; minus strand). Cytogenetic location: 3q21.3.
Variant type: single nucleotide variant.
Coding change: c.135G>A on transcript NM_032638.5 (MANE Select); coding-DNA position 135, G replaced by A.
Protein change: p.Val45=; no amino-acid change (valine 45 retained).
Molecular consequence: synonymous variant.
Genome position (GRCh38, 1-based): chr3:128,486,897, C>T on the plus strand (G>A on the coding strand, the complement: GATA2 is on the minus strand). VCF-style: chr3-128486897-C-T. GRCh37 (hg19) VCF-style: chr3-128205740-C-T.
Other names: c.135G>A, p.Val45= (NM_001145661.2, NM_001145662.1).
Identifiers: ClinVar variation 5022171 (VCV005022171.1).